The following is an entry in ClinVar:

NM_000228.3(LAMB3):c.1619del (p.Gly540fs)

Gene: LAMB3 (laminin subunit beta 3; minus strand). Cytogenetic location: 1q32.2.
Variant type: Deletion.
Coding change: c.1619del on transcript NM_000228.3 (MANE Select); coding-DNA position 1619, one base deleted (G; older notation c.1619delG).
Protein change: p.Gly540fs; shifts the reading frame from glycine 540.
Molecular consequence: frameshift variant.
Genome position (GRCh38, 1-based): chr1:209,626,005, C deleted on the plus strand (G on the coding strand, the reverse complement: LAMB3 is on the minus strand); the first of 4 consecutive C bases (chr1:209,626,005-209,626,008); deleting any one gives the same sequence. VCF-style (leftmost placement, unchanged base first): chr1-209626004-TC-T. GRCh37 (hg19) VCF-style: chr1-209799349-TC-T.
Other names: c.1619del, p.Gly540fs (NM_001017402.2, NM_001127641.1); short protein forms G540fs.
Identifiers: ClinVar variation 2021574 (VCV002021574.4), dbSNP rs2464820348, ClinGen allele CA2580061992.
Genomic context (GRCh38, chr1:209,626,004, plus strand): 5'-GGTCAAGCCAGGGCGGCAGAGGCAGCGGCCTGATGCCTTGTCGCAGCCCGGGCCCTCTGT[TC>T]CCCGGAAATCACAGTCACAGGCTAGGGCCAAGAAAAATGACAGTCAGAGACAGGGGTCAG-3'

ClinVar aggregate classification (germline): Pathogenic (1 of 4 stars; one submission).

Submission:

Labcorp Genetics (formerly Invitae), Labcorp
Classification: Pathogenic. Last evaluated: 2022-08-04. Review status: criteria provided, single submitter. Criteria: Invitae Variant Classification Sherloc (09022015). Collection method: clinical testing. Allele origin: germline.
Comment: This sequence change creates a premature translational stop signal (p.Gly540Glufs*20) in the LAMB3 gene. It is expected to result in an absent or disrupted protein product. Loss-of-function variants in LAMB3 are known to be pathogenic (PMID: 11023379, 16473856). This variant is not present in population databases (gnomAD no frequency). This variant has not been reported in the literature in individuals affected with LAMB3-related conditions. For these reasons, this variant has been classified as Pathogenic.

Literature cited by the submitters: PubMed 11023379; PubMed 16473856.